The following is an entry in ClinVar:

NM_007194.4(CHEK2):c.350G>T (p.Arg117Met)

Gene: CHEK2 (checkpoint kinase 2; minus strand). Cytogenetic location: 22q12.1.
Variant type: single nucleotide variant.
Coding change: c.350G>T on transcript NM_007194.4 (MANE Select); coding-DNA position 350, G replaced by T.
Protein change: p.Arg117Met; replaces arginine 117 with methionine.
Molecular consequence: missense variant.
Genome position (GRCh38, 1-based): chr22:28,725,337, C>A on the plus strand (G>T on the coding strand, the complement: CHEK2 is on the minus strand). VCF-style: chr22-28725337-C-A. GRCh37 (hg19) VCF-style: chr22-29121325-C-A.
Other names: c.479G>T, p.Arg160Met (NM_001005735.3); c.-428G>T (NM_001257387.3); c.350G>T, p.Arg117Met (NM_001349956.3, NM_145862.3); short protein forms R117M, R160M.
Identifiers: ClinVar variation 583215 (VCV000583215.17), dbSNP rs587781982, ClinGen allele CA411108194.

ClinVar aggregate classification (germline): Uncertain significance. Review status: criteria provided, multiple submitters, no conflicts (2 of 4 stars). 3 submissions from 3 submitters: Uncertain significance (3). Last evaluated 2025-11-11.

Conditions:
Familial cancer of breast. Also called: Hereditary breast cancer; hereditary breast carcinoma; BREAST CANCER, FAMILIAL. Identifiers: Orphanet 227535, MedGen C0346153, MONDO:0016419, OMIM 114480. Disease mechanism: loss of function.
Hereditary cancer-predisposing syndrome. Also called: Neoplastic Syndromes, Hereditary; Hereditary Cancer Syndrome; Tumor predisposition; Hereditary neoplastic syndrome. Identifiers: Orphanet 140162, MedGen C0027672, MeSH D009386, MONDO:0015356.

Submissions (3):

Ambry Genetics
Classification: Uncertain significance for Hereditary cancer-predisposing syndrome. Last evaluated: 2025-11-11. Review status: criteria provided, single submitter. Criteria: Ambry Variant Classification Scheme 2023. Collection method: clinical testing. Allele origin: germline.
Comment: The p.R117M variant (also known as c.350G>T), located in coding exon 2 of the CHEK2 gene, results from a G to T substitution at nucleotide position 350. The arginine at codon 117 is replaced by methionine, an amino acid with similar properties. This amino acid position is highly conserved in available vertebrate species. In addition, this alteration is predicted to be deleterious by in silico analysis. Since supporting evidence is limited at this time, the clinical significance of this alteration remains unclear.

Labcorp Genetics (formerly Invitae), Labcorp
Classification: Uncertain significance for Familial cancer of breast. Last evaluated: 2022-12-11. Review status: criteria provided, single submitter. Criteria: Invitae Variant Classification Sherloc (09022015). Collection method: clinical testing. Allele origin: germline.
Comment: This variant disrupts the p.Arg117 amino acid residue in CHEK2. Other variant(s) that disrupt this residue have been determined to be pathogenic (PMID: 12454775, 12610780, 16982735, 18725978, 21244692, 22419737). This suggests that this residue is clinically significant, and that variants that disrupt this residue are likely to be disease-causing. In summary, the available evidence is currently insufficient to determine the role of this variant in disease. Therefore, it has been classified as a Variant of Uncertain Significance. ClinVar contains an entry for this variant (Variation ID: 583215). Algorithms developed to predict the effect of missense changes on protein structure and function (SIFT, PolyPhen-2, Align-GVGD) all suggest that this variant is likely to be disruptive. This variant has not been reported in the literature in individuals affected with CHEK2-related conditions. This variant is not present in population databases (gnomAD no frequency). This sequence change replaces arginine, which is basic and polar, with methionine, which is neutral and non-polar, at codon 117 of the CHEK2 protein (p.Arg117Met).

Color Diagnostics, LLC DBA Color Health
Classification: Uncertain significance for Hereditary cancer-predisposing syndrome. Last evaluated: 2019-06-20. Review status: criteria provided, single submitter. Criteria: ACMG Guidelines, 2015. Collection method: clinical testing. Allele origin: germline.

Literature cited by the submitters: PubMed 12454775 (cited by Labcorp Genetics (formerly Invitae), Labcorp); PubMed 12610780 (cited by Labcorp Genetics (formerly Invitae), Labcorp); PubMed 16982735 (cited by Labcorp Genetics (formerly Invitae), Labcorp); PubMed 18725978 (cited by Labcorp Genetics (formerly Invitae), Labcorp); PubMed 21244692 (cited by Labcorp Genetics (formerly Invitae), Labcorp); PubMed 22419737 (cited by Labcorp Genetics (formerly Invitae), Labcorp).